The following is an entry in ClinVar:

NM_000535.7(PMS2):c.596G>A (p.Arg199His)

Gene: PMS2 (PMS1 homolog 2, mismatch repair system component; minus strand). Cytogenetic location: 7p22.1.
Variant type: single nucleotide variant.
Coding change: c.596G>A on transcript NM_000535.7 (MANE Select); coding-DNA position 596, G replaced by A.
Protein change: p.Arg199His; replaces arginine 199 with histidine.
Molecular consequence: missense variant. On other transcripts: 5 prime UTR variant (2), non-coding transcript variant (1), intron variant (1).
Genome position (GRCh38, 1-based): chr7:5,999,217, C>T on the plus strand (G>A on the coding strand, the complement: PMS2 is on the minus strand). VCF-style: chr7-5999217-C-T. GRCh37 (hg19) VCF-style: chr7-6038848-C-T.
Other names: c.191G>A, p.Arg64His (NM_001322003.2, NM_001322004.2, NM_001322005.2 and 2 more transcripts); c.596G>A, p.Arg199His (NM_001322006.2, NM_001322014.2); c.278G>A, p.Arg93His (NM_001322007.2, NM_001322008.2); c.-338G>A (NM_001322011.2, NM_001322012.2); c.287G>A, p.Arg96His (NM_001322015.2); c.133-1794G>A (NM_001322013.2); short protein forms R199H, R93H, R64H, R96H.
Identifiers: ClinVar variation 230100 (VCV000230100.23), dbSNP rs876658387, ClinGen allele CA10578703.

ClinVar aggregate classification (germline): Uncertain significance. Review status: criteria provided, multiple submitters, no conflicts (2 of 4 stars). 5 submissions from 5 submitters: Uncertain significance (5). Last evaluated 2025-12-23.

Conditions:
Hereditary nonpolyposis colorectal neoplasms. Identifiers: MedGen C0009405, MeSH D003123.
Hereditary cancer-predisposing syndrome. Also called: Hereditary neoplastic syndrome; Hereditary Cancer Syndrome; Neoplastic Syndromes, Hereditary; Tumor predisposition. Identifiers: Orphanet 140162, MedGen C0027672, MeSH D009386, MONDO:0015356.
Lynch syndrome 4 (LYNCH4). Also called: Colorectal cancer, hereditary nonpolyposis, type 4; Hereditary non-polyposis colorectal cancer, type 4. Identifiers: Orphanet 144, MedGen C1838333, MONDO:0013699, OMIM 614337. Disease mechanism: loss of function.

Allele frequency attached by ClinVar (database versions not stated): gnomAD exomes below 0.00001; gnomAD 0.00001 and 0.00002; TOPMed 0.00001.
gnomAD v4.1: 6 of 1,613,842 alleles (0.00037%); highest among the groups gnomAD compares: East Asian, 0.0022%; no homozygotes.

Submissions (5):

Labcorp Genetics (formerly Invitae), Labcorp
Classification: Uncertain significance for Hereditary nonpolyposis colorectal neoplasms. Last evaluated: 2025-12-23. Review status: criteria provided, single submitter. Criteria: Invitae Variant Classification Sherloc (09022015). Collection method: clinical testing. Allele origin: germline.
Comment: This sequence change replaces arginine, which is basic and polar, with histidine, which is basic and polar, at codon 199 of the PMS2 protein (p.Arg199His). This variant is not present in population databases (gnomAD no frequency). This variant has not been reported in the literature in individuals affected with PMS2-related conditions. ClinVar contains an entry for this variant (Variation ID: 230100). Invitae Evidence Modeling incorporating data from in vitro experimental studies (internal data) indicates that this missense variant is not expected to disrupt PMS2 function with a negative predictive value of 95%. In summary, the available evidence is currently insufficient to determine the role of this variant in disease. Therefore, it has been classified as a Variant of Uncertain Significance.

Ambry Genetics
Classification: Uncertain significance for Hereditary cancer-predisposing syndrome. Last evaluated: 2025-05-10. Review status: criteria provided, single submitter. Criteria: Ambry Variant Classification Scheme 2023. Collection method: clinical testing. Allele origin: germline.
Comment: The p.R199H variant (also known as c.596G>A), located in coding exon 6 of the PMS2 gene, results from a G to A substitution at nucleotide position 596. The arginine at codon 199 is replaced by histidine, an amino acid with highly similar properties. This amino acid position is highly conserved in available vertebrate species. In addition, this alteration is predicted to be deleterious by in silico analysis. Since supporting evidence is limited at this time, the clinical significance of this alteration remains unclear.

Color Diagnostics, LLC DBA Color Health
Classification: Uncertain significance for Hereditary cancer-predisposing syndrome. Last evaluated: 2023-12-04. Review status: criteria provided, single submitter. Criteria: ACMG Guidelines, 2015. Collection method: clinical testing. Allele origin: germline.
Comment: This missense variant replaces arginine with histidine at codon 199 of the PMS2 protein. Computational prediction suggests that this variant may have deleterious impact on protein structure and function (internally defined REVEL score threshold >= 0.7, PMID: 27666373). To our knowledge, functional studies have not been reported for this variant. This variant has not been reported in individuals affected with PMS2-related disorders in the literature. This variant has not been identified in the general population by the Genome Aggregation Database (gnomAD). The available evidence is insufficient to determine the role of this variant in disease conclusively. Therefore, this variant is classified as a Variant of Uncertain Significance.

Baylor Genetics
Classification: Uncertain significance for Lynch syndrome 4. Last evaluated: 2023-07-20. Review status: criteria provided, single submitter. Criteria: ACMG Guidelines, 2015. Collection method: clinical testing. Allele origin: unknown.

Quest Diagnostics Nichols Institute San Juan Capistrano
Classification: Uncertain significance. Last evaluated: 2022-12-29. Review status: criteria provided, single submitter. Criteria: Quest Diagnostics criteria. Collection method: clinical testing. Allele origin: unknown.
Comment: The variant has not been reported in the published literature. The frequency of this variant in the general population, 0.00002 (3/152076 chromosomes), is uninformative in assessment of its pathogenicity. Analysis of this variant using bioinformatics tools for the prediction of the effect of amino acid changes on protein structure and function yielded predictions that this variant is damaging. Based on the available information, we are unable to determine the clinical significance of this variant.